The following is an entry in ClinVar:

ClinVar aggregate classification (germline): Uncertain significance (1 of 4 stars; one submission).

Submission:

Labcorp Genetics (formerly Invitae), Labcorp
Classification: Uncertain significance. Last evaluated: 2022-02-12. Review status: criteria provided, single submitter. Criteria: Invitae Variant Classification Sherloc (09022015). Collection method: clinical testing. Allele origin: germline.
Comment: This variant is not present in population databases (gnomAD no frequency). This sequence change replaces lysine, which is basic and polar, with arginine, which is basic and polar, at codon 438 of the COL9A3 protein (p.Lys438Arg). This variant has not been reported in the literature in individuals affected with COL9A3-related conditions. Advanced modeling of protein sequence and biophysical properties (such as structural, functional, and spatial information, amino acid conservation, physicochemical variation, residue mobility, and thermodynamic stability) performed at Invitae indicates that this missense variant is not expected to disrupt COL9A3 protein function. In summary, the available evidence is currently insufficient to determine the role of this variant in disease. Therefore, it has been classified as a Variant of Uncertain Significance.

NM_001853.4(COL9A3):c.1313A>G (p.Lys438Arg)

Gene: COL9A3 (collagen type IX alpha 3 chain; plus strand). Cytogenetic location: 20q13.33.
Variant type: single nucleotide variant.
Coding change: c.1313A>G on transcript NM_001853.4 (MANE Select); coding-DNA position 1313, A replaced by G.
Protein change: p.Lys438Arg; replaces lysine 438 with arginine.
Molecular consequence: missense variant.
Genome position (GRCh38, 1-based): chr20:62,832,179, A>G. VCF-style: chr20-62832179-A-G. GRCh37 (hg19) VCF-style: chr20-61463531-A-G.
Other names: short protein forms K438R.
Identifiers: ClinVar variation 2097324 (VCV002097324.4), dbSNP rs2516071043, ClinGen allele CA409596006.